The following is an entry in ClinVar:

NM_173495.3(PTCHD1):c.253T>A (p.Ser85Thr)

Gene: PTCHD1 (patched domain containing 1; plus strand). Cytogenetic location: Xp22.11.
Variant type: single nucleotide variant.
Coding change: c.253T>A on transcript NM_173495.3 (MANE Select); coding-DNA position 253, T replaced by A.
Protein change: p.Ser85Thr; replaces serine 85 with threonine.
Molecular consequence: missense variant.
Genome position (GRCh38, 1-based): chrX:23,335,128, T>A. VCF-style: chrX-23335128-T-A. GRCh37 (hg19) VCF-style: chrX-23353245-T-A.
Other names: short protein forms S85T.
Identifiers: ClinVar variation 2136210 (VCV002136210.2), dbSNP rs2518737709, ClinGen allele CA412579274.

ClinVar aggregate classification (germline): Uncertain significance (1 of 4 stars; one submission).

Submission:

GeneDx
Classification: Uncertain significance. Last evaluated: 2024-11-18. Review status: criteria provided, single submitter. Criteria: GeneDx Variant Classification Process June 2021. Collection method: clinical testing. Allele origin: germline. Affected: yes.
Comment: Not observed at significant frequency in large population cohorts (gnomAD); In silico analysis indicates that this missense variant does not alter protein structure/function; Has not been previously published as pathogenic or benign to our knowledge